The following is an entry in ClinVar:

NM_015338.6(ASXL1):c.1271T>C (p.Leu424Pro)

Gene: ASXL1 (ASXL transcriptional regulator 1; plus strand). Cytogenetic location: 20q11.21.
Variant type: single nucleotide variant.
Coding change: c.1271T>C on transcript NM_015338.6 (MANE Select); coding-DNA position 1271, T replaced by C.
Protein change: p.Leu424Pro; replaces leucine 424 with proline.
Molecular consequence: missense variant.
Genome position (GRCh38, 1-based): chr20:32,433,469, T>C. VCF-style: chr20-32433469-T-C. GRCh37 (hg19) VCF-style: chr20-31021272-T-C.
Other names: c.1088T>C, p.Leu363Pro (NM_001363734.1); short protein forms L363P, L424P.
Identifiers: ClinVar variation 2151147 (VCV002151147.6), dbSNP rs2011595781, ClinGen allele CA408556217.

ClinVar aggregate classification (germline): Uncertain significance. Review status: criteria provided, multiple submitters, no conflicts (2 of 4 stars). 2 submissions from 2 submitters: Uncertain significance (2). Last evaluated 2025-11-10.

Conditions:
Inborn genetic diseases. Identifiers: MedGen C0950123, MeSH D030342.

Allele frequency attached by ClinVar (database versions not stated): gnomAD exomes below 0.00001; gnomAD 0.00001; TOPMed 0.00002; 1000 Genomes Project 30x 0.00031.
gnomAD v4.1: 2 of 1,614,134 alleles (0.00012%); highest among the groups gnomAD compares: African/African-American, 0.0027%; no homozygotes.

Submissions (2):

Labcorp Genetics (formerly Invitae), Labcorp
Classification: Uncertain significance. Last evaluated: 2025-11-10. Review status: criteria provided, single submitter. Criteria: Invitae Variant Classification Sherloc (09022015). Collection method: clinical testing. Allele origin: germline.
Comment: This sequence change replaces leucine, which is neutral and non-polar, with proline, which is neutral and non-polar, at codon 424 of the ASXL1 protein (p.Leu424Pro). This variant is not present in population databases (gnomAD no frequency). This variant has not been reported in the literature in individuals affected with ASXL1-related conditions. ClinVar contains an entry for this variant (Variation ID: 2151147). An algorithm developed to predict the effect of missense changes on protein structure and function (PolyPhen-2) suggests that this variant is likely to be disruptive. In summary, the available evidence is currently insufficient to determine the role of this variant in disease. Therefore, it has been classified as a Variant of Uncertain Significance.

Ambry Genetics
Classification: Uncertain significance for Inborn genetic diseases. Last evaluated: 2025-04-11. Review status: criteria provided, single submitter. Criteria: Ambry Variant Classification Scheme 2023. Collection method: clinical testing. Allele origin: germline.
Comment: The p.L424P variant (also known as c.1271T>C), located in coding exon 12 of the ASXL1 gene, results from a T to C substitution at nucleotide position 1271. The leucine at codon 424 is replaced by proline, an amino acid with similar properties. This amino acid position is conserved. In addition, this alteration is predicted to be tolerated by in silico analysis. Based on the available evidence, the clinical significance of this variant remains unclear.